The following is an entry in ClinVar:

NM_007118.4(TRIO):c.5671T>C (p.Ser1891Pro)

Gene: TRIO (trio Rho guanine nucleotide exchange factor; plus strand). Cytogenetic location: 5p15.2.
Variant type: single nucleotide variant.
Coding change: c.5671T>C on transcript NM_007118.4 (MANE Select); coding-DNA position 5671, T replaced by C.
Protein change: p.Ser1891Pro; replaces serine 1891 with proline.
Molecular consequence: missense variant. On other transcripts: non-coding transcript variant (1).
Genome position (GRCh38, 1-based): chr5:14,465,548, T>C. VCF-style: chr5-14465548-T-C. GRCh37 (hg19) VCF-style: chr5-14465657-T-C.
Other names: c.5671T>C (NM_007118.3); short protein forms S1891P.
Identifiers: ClinVar variation 1253295 (VCV001253295.29), dbSNP rs138840811, ClinGen allele CA3206815.

ClinVar aggregate classification (germline): Conflicting classifications of pathogenicity. Review status: criteria provided, conflicting classifications (1 of 4 stars). 5 submissions from 5 submitters: Uncertain significance (1); Benign (2); Likely benign (1). 1 of the submissions does not count toward it. Last evaluated 2025-12-26.

Conditions:
TRIO-related disorder. Also called: TRIO-related condition; TRIO-related disorders.
Inborn genetic diseases. Identifiers: MedGen C0950123, MeSH D030342.

Allele frequency attached by ClinVar (database versions not stated): gnomAD exomes 0.00033 and 0.00060; gnomAD 0.00034 and 0.00030; TOPMed 0.00035; ExAC 0.00038; ESP Exome Variant Server 0.00046; 1000 Genomes Project 30x 0.00016; 1000 Genomes Project 0.00020.
gnomAD v4.1: 936 of 1,613,966 alleles (0.058%); highest among the groups gnomAD compares: Non-Finnish European, 0.07%; 2 homozygotes.

Submissions (5):

Ambry Genetics
Classification: Likely benign for Inborn genetic diseases. Last evaluated: 2025-12-26. Review status: criteria provided, single submitter. Criteria: Ambry Variant Classification Scheme 2023. Collection method: clinical testing. Allele origin: germline.

CeGaT Center for Human Genetics Tuebingen
Classification: Benign. Last evaluated: 2024-10-01. Review status: criteria provided, single submitter. Criteria: CeGaT Center For Human Genetics Tuebingen Variant Classification Criteria Version 2. Collection method: clinical testing. Allele origin: germline. Affected: yes. Observed: 3 variant alleles.
Comment: TRIO: BS1, BS2

Revvity Omics, Revvity
Classification: Uncertain significance. Last evaluated: 2023-11-02. Review status: criteria provided, single submitter. Criteria: ACMG Guidelines, 2015. Collection method: clinical testing. Allele origin: germline.

GeneDx
Classification: Benign. Last evaluated: 2019-10-28. Review status: criteria provided, single submitter. Criteria: GeneDx Variant Classification Process June 2021. Collection method: clinical testing. Allele origin: germline. Affected: yes.

PreventionGenetics, part of Exact Sciences
Classification: Likely benign for TRIO-related condition. Last evaluated: 2019-07-15. Review status: no assertion criteria provided. Collection method: clinical testing. Allele origin: germline. Not counted in ClinVar's aggregate classification.
Comment: This variant is classified as likely benign based on ACMG/AMP sequence variant interpretation guidelines (Richards et al. 2015 PMID: 25741868, with internal and published modifications).